The following is an entry in ClinVar:

NM_000719.7(CACNA1C):c.6243C>G (p.Ile2081Met)

Genes: CACNA1C (calcium voltage-gated channel subunit alpha1 C; plus strand), CACNA1C-AS1 (CACNA1C antisense RNA 1; minus strand). Cytogenetic location: 12p13.33.
Variant type: single nucleotide variant.
Coding change: c.6243C>G on transcript NM_000719.7 (MANE Select); coding-DNA position 6243, C replaced by G.
Protein change: p.Ile2081Met; replaces isoleucine 2081 with methionine.
Molecular consequence: missense variant.
Genome position (GRCh38, 1-based): chr12:2,691,025, C>G. VCF-style: chr12-2691025-C-G. GRCh37 (hg19) VCF-style: chr12-2800191-C-G.
Other names: c.6300C>G, p.Ile2100Met (NM_001129833.2, NM_001129834.2, NM_001129835.2); c.6294C>G, p.Ile2098Met (NM_001129836.2); c.6267C>G, p.Ile2089Met (NM_001129837.2, NM_001129838.2); c.6261C>G, p.Ile2087Met (NM_001129839.2); c.6243C>G, p.Ile2081Met (NM_001129840.2, NM_001129841.2, NM_001129842.2 and 2 more transcripts); c.6387C>G, p.Ile2129Met (NM_001129827.2); c.6366C>G, p.Ile2122Met (NM_001129829.2); c.6348C>G, p.Ile2116Met (NM_001129830.3, NM_001167624.3); and 6 more; short protein forms I2098M, I2109M, I2116M, I2129M, I2070M, I2122M, I2141M, I2078M.
Identifiers: ClinVar variation 2702178 (VCV002702178.3), dbSNP rs763666740, ClinGen allele CA383386601.

ClinVar aggregate classification (germline): Uncertain significance (1 of 4 stars; one submission).

Conditions:
Long QT syndrome (LQTS). Identifiers: MedGen C0023976, MeSH D008133, MONDO:0002442. Disease mechanism: loss of function. Inheritance: Various modes of inheritance.

Submission:

Labcorp Genetics (formerly Invitae), Labcorp
Classification: Uncertain significance for Long QT syndrome. Last evaluated: 2023-12-11. Review status: criteria provided, single submitter. Criteria: Invitae Variant Classification Sherloc (09022015). Collection method: clinical testing. Allele origin: germline.
Comment: This sequence change replaces isoleucine, which is neutral and non-polar, with methionine, which is neutral and non-polar, at codon 2081 of the CACNA1C protein (p.Ile2081Met). This variant is not present in population databases (gnomAD no frequency). This variant has not been reported in the literature in individuals affected with CACNA1C-related conditions. Advanced modeling of protein sequence and biophysical properties (such as structural, functional, and spatial information, amino acid conservation, physicochemical variation, residue mobility, and thermodynamic stability) performed at Invitae indicates that this missense variant is not expected to disrupt CACNA1C protein function with a negative predictive value of 95%. In summary, the available evidence is currently insufficient to determine the role of this variant in disease. Therefore, it has been classified as a Variant of Uncertain Significance.